The following is an entry in ClinVar:

NM_020919.4(ALS2):c.395C>T (p.Pro132Leu)

Gene: ALS2 (alsin Rho guanine nucleotide exchange factor ALS2; minus strand). Cytogenetic location: 2q33.1.
Variant type: single nucleotide variant.
Coding change: c.395C>T on transcript NM_020919.4 (MANE Select); coding-DNA position 395, C replaced by T.
Protein change: p.Pro132Leu; replaces proline 132 with leucine.
Molecular consequence: missense variant.
Genome position (GRCh38, 1-based): chr2:201,761,599, G>A on the plus strand (C>T on the coding strand, the complement: ALS2 is on the minus strand). VCF-style: chr2-201761599-G-A. GRCh37 (hg19) VCF-style: chr2-202626322-G-A.
Other names: c.395C>T, p.Pro132Leu (NM_001135745.2); short protein forms P132L.
Identifiers: ClinVar variation 898271 (VCV000898271.7), dbSNP rs41308810, ClinGen allele CA2058656.

ClinVar aggregate classification (germline): Uncertain significance. Review status: criteria provided, multiple submitters, no conflicts (2 of 4 stars). 3 submissions from 2 submitters: Uncertain significance (3). Last evaluated 2021-10-23.

Conditions:
Amyotrophic lateral sclerosis type 2, juvenile. Also called: ALS, JUVENILE; Amyotrophic lateral sclerosis type 2. Identifiers: Orphanet 300605, MedGen C1859807, MONDO:0008780, OMIM 205100.
ALS2-related disorder. Also called: ALS2-related disorders; ALS2-related condition; ALS2-Related Spectrum Disorders. Identifiers: MedGen CN169291.
Infantile-onset ascending hereditary spastic paralysis (IAHSP). Also called: Autosomal Recessive Juvenile Amyotrophic Lateral Sclerosis; Infantile-Onset Ascending Hereditary Spastic Paralysis (IAHSP). Identifiers: Orphanet 293168, MedGen C2931441, MONDO:0011797, OMIM 607225. Disease mechanism: loss of function.

Allele frequency attached by ClinVar (database versions not stated): gnomAD exomes 0.00008 and 0.00009; TOPMed 0.00005; gnomAD 0.00007 and 0.00004; ExAC 0.00007; 1000 Genomes Project 30x 0.00047; 1000 Genomes Project 0.00020.

Submissions (3):

Labcorp Genetics (formerly Invitae), Labcorp
Classification: Uncertain significance for Infantile-onset ascending hereditary spastic paralysis. Last evaluated: 2021-10-23. Review status: criteria provided, single submitter. Criteria: Invitae Variant Classification Sherloc (09022015). Collection method: clinical testing. Allele origin: germline.
Comment: This sequence change replaces proline, which is neutral and non-polar, with leucine, which is neutral and non-polar, at codon 132 of the ALS2 protein (p.Pro132Leu). This variant is present in population databases (rs41308810, gnomAD 0.08%). This missense change has been observed in individual(s) with clinical features of ALS2-related conditions (PMID: 30054184). ClinVar contains an entry for this variant (Variation ID: 898271). Algorithms developed to predict the effect of missense changes on protein structure and function are either unavailable or do not agree on the potential impact of this missense change (SIFT: "Deleterious"; PolyPhen-2: "Possibly Damaging"; Align-GVGD: "Class C0"). Experimental studies are conflicting or provide insufficient evidence to determine the effect of this variant on ALS2 function (PMID: 30224357). In summary, the available evidence is currently insufficient to determine the role of this variant in disease. Therefore, it has been classified as a Variant of Uncertain Significance.

Illumina Laboratory Services, Illumina
Classification: Uncertain significance for ALS2-Related Disorders. Last evaluated: 2018-01-12. Review status: criteria provided, single submitter. Criteria: ICSL Variant Classification Criteria 13 December 2019. Collection method: clinical testing. Allele origin: germline.

Illumina Laboratory Services, Illumina
Classification: Uncertain significance for Amyotrophic lateral sclerosis type 2. Last evaluated: 2018-01-12. Review status: criteria provided, single submitter. Criteria: ICSL Variant Classification Criteria 13 December 2019. Collection method: clinical testing. Allele origin: germline.

Literature cited by the submitters: PubMed 30054184 (cited by Labcorp Genetics (formerly Invitae), Labcorp); PubMed 30224357 (cited by Labcorp Genetics (formerly Invitae), Labcorp).